The following is an entry in ClinVar:

NM_001023.4(RPS20):c.228G>T (p.Thr76=)

Gene: RPS20 (ribosomal protein S20; minus strand). Cytogenetic location: 8q12.1.
Variant type: single nucleotide variant.
Coding change: c.228G>T on transcript NM_001023.4 (MANE Select); coding-DNA position 228, G replaced by T.
Protein change: p.Thr76=; no amino-acid change (threonine 76 retained).
Molecular consequence: synonymous variant.
Genome position (GRCh38, 1-based): chr8:56,073,222, C>A on the plus strand (G>T on the coding strand, the complement: RPS20 is on the minus strand). VCF-style: chr8-56073222-C-A. GRCh37 (hg19) VCF-style: chr8-56985781-C-A.
Other names: c.228G>T, p.Thr76= (NM_001146227.3).
Identifiers: ClinVar variation 5042151 (VCV005042151.1).

ClinVar aggregate classification (germline): Benign (1 of 4 stars; one submission).

Conditions:
Familial colorectal cancer type X. Identifiers: Orphanet 440437, MedGen C3896578, MONDO:0018604.

Submission:

Myriad Genetics, Inc.
Classification: Benign for Familial colorectal cancer type X. Last evaluated: 2026-08-03. Review status: criteria provided, single submitter. Criteria: Myriad Autosomal Dominant, Autosomal Recessive and X-Linked Classification Criteria (2023). Collection method: clinical testing. Allele origin: unknown.
Comment: This variant is considered benign. This variant is a silent/synonymous amino acid change and it is not expected to impact splicing.